The following is an entry in ClinVar:

ClinVar aggregate classification (germline): Uncertain significance. Review status: criteria provided, multiple submitters, no conflicts (2 of 4 stars). 3 submissions from 3 submitters: Uncertain significance (3). Last evaluated 2022-06-28.

Conditions:
Inborn genetic diseases. Identifiers: MedGen C0950123, MeSH D030342.
Deficiency of aromatic-L-amino-acid decarboxylase. Also called: Aromatic amino acid decarboxylase deficiency; AADC DEFICIENCY; DDC DEFICIENCY; DOPA DECARBOXYLASE DEFICIENCY; Aromatic L-Amino Acid Decarboxylase Deficiency. Identifiers: Orphanet 35708, MedGen C1291564, MONDO:0012084, OMIM 608643.

gnomAD v4.1: 19 of 1,614,094 alleles (0.0012%); highest among the groups gnomAD compares: East Asian, 0.0022%; no homozygotes.

Submissions (3):

Labcorp Genetics (formerly Invitae), Labcorp
Classification: Uncertain significance for Deficiency of aromatic-L-amino-acid decarboxylase. Last evaluated: 2022-06-28. Review status: criteria provided, single submitter. Criteria: Invitae Variant Classification Sherloc (09022015). Collection method: clinical testing. Allele origin: germline.
Comment: This sequence change replaces arginine, which is basic and polar, with histidine, which is basic and polar, at codon 453 of the DDC protein (p.Arg453His). This variant is present in population databases (rs770717871, gnomAD 0.01%). This variant has not been reported in the literature in individuals affected with DDC-related conditions. ClinVar contains an entry for this variant (Variation ID: 420592). Algorithms developed to predict the effect of missense changes on protein structure and function (SIFT, PolyPhen-2, Align-GVGD) all suggest that this variant is likely to be disruptive. In summary, the available evidence is currently insufficient to determine the role of this variant in disease. Therefore, it has been classified as a Variant of Uncertain Significance.

Ambry Genetics
Classification: Uncertain significance for Inborn genetic diseases. Last evaluated: 2022-05-25. Review status: criteria provided, single submitter. Criteria: Ambry Variant Classification Scheme 2023. Collection method: clinical testing. Allele origin: germline.

GeneDx
Classification: Uncertain significance. Last evaluated: 2016-03-03. Review status: criteria provided, single submitter. Criteria: GeneDx Variant Classification (06012015). Collection method: clinical testing. Allele origin: germline. Affected: yes.
Comment: The R453H variant in the DDC gene has not been reported previously as a pathogenic variant, nor as a benign variant, to our knowledge. This variant was not observed in approximately 6500 individuals of European and African American ancestry in the NHLBI Exome Sequencing Project, indicating it is not a common benign variant in these populations. The R453H variant is a conservative amino acid substitution, which is not likely to impact secondary protein structure as these residues share similar properties. This substitution occurs at a position that is conserved across species. In silico analysis is inconsistent in its predictions as to whether or not the variant is damaging to the protein structure/function. We interpret R453H as a variant of uncertain significance.

NM_001082971.2(DDC):c.1358G>A (p.Arg453His)

Gene: DDC (dopa decarboxylase; minus strand). Cytogenetic location: 7p12.2.
Variant type: single nucleotide variant.
Coding change: c.1358G>A on transcript NM_001082971.2 (MANE Select); coding-DNA position 1358, G replaced by A.
Protein change: p.Arg453His; replaces arginine 453 with histidine.
Molecular consequence: missense variant.
Genome position (GRCh38, 1-based): chr7:50,463,316, C>T on the plus strand (G>A on the coding strand, the complement: DDC is on the minus strand). VCF-style: chr7-50463316-C-T. GRCh37 (hg19) VCF-style: chr7-50531014-C-T.
Other names: c.1358G>A, p.Arg453His (NM_000790.4); c.1244G>A, p.Arg415His (NM_001242886.2); c.1214G>A, p.Arg405His (NM_001242887.2); c.1124G>A, p.Arg375His (NM_001242888.2); c.1079G>A, p.Arg360His (NM_001242889.2); short protein forms R453H, R405H, R360H, R415H, R375H.
Identifiers: ClinVar variation 420592 (VCV000420592.6), dbSNP rs770717871, ClinGen allele CA4261986.